The following is an entry in ClinVar:

NM_001195263.2(PDZD7):c.785A>C (p.Asn262Thr)

Gene: PDZD7 (PDZ domain containing 7; minus strand). Cytogenetic location: 10q24.31.
Variant type: single nucleotide variant.
Coding change: c.785A>C on transcript NM_001195263.2 (MANE Select); coding-DNA position 785, A replaced by C.
Protein change: p.Asn262Thr; replaces asparagine 262 with threonine.
Molecular consequence: missense variant.
Genome position (GRCh38, 1-based): chr10:101,021,880, T>G on the plus strand (A>C on the coding strand, the complement: PDZD7 is on the minus strand). VCF-style: chr10-101021880-T-G. GRCh37 (hg19) VCF-style: chr10-102781637-T-G.
Other names: c.785A>C, p.Asn262Thr (NM_001351044.2, NM_024895.5); short protein forms N262T.
Identifiers: ClinVar variation 4071812 (VCV004071812.1).

ClinVar aggregate classification (germline): Uncertain significance (1 of 4 stars; one submission).

Submission:

GeneDx
Classification: Uncertain significance. Last evaluated: 2025-01-27. Review status: criteria provided, single submitter. Criteria: GeneDx Variant Classification Process June 2021. Collection method: clinical testing. Allele origin: germline. Affected: yes.
Comment: Not observed at significant frequency in large population cohorts (gnomAD); In silico analysis supports that this missense variant has a deleterious effect on protein structure/function; Has not been previously published as pathogenic or benign to our knowledge